The following is an entry in ClinVar:

ClinVar aggregate classification (germline): Conflicting classifications of pathogenicity. Review status: criteria provided, conflicting classifications (1 of 4 stars). 2 submissions from 2 submitters: Uncertain significance (1); Likely benign (1). Last evaluated 2026-01-14.

Conditions:
Biotin-responsive basal ganglia disease (BTBGD). Also called: THIAMINE METABOLISM DYSFUNCTION SYNDROME 2 (BIOTIN- AND THIAMINE-RESPONSIVE TYPE); Thiamine metabolism dysfunction syndrome 2 (biotin- or thiamine-responsive encephalopathy type 2); Thiamine metabolism dysfunction syndrome type 2; Thiamine Transporter-2 Deficiency; thiamine-responsive encephalopathy. Identifiers: Orphanet 199348, Orphanet 65284, MedGen C1843807, MONDO:0011841, OMIM 607483.

Allele frequency attached by ClinVar (database versions not stated): gnomAD exomes 0.00004 and 0.00010; gnomAD 0.00005 and 0.00006; TOPMed 0.00006; ExAC 0.00009.
gnomAD v4.1: 67 of 1,614,002 alleles (0.0042%); highest among the groups gnomAD compares: East Asian, 0.14%; 1 homozygote.

Submissions (2):

Labcorp Genetics (formerly Invitae), Labcorp
Classification: Likely benign for Biotin-responsive basal ganglia disease. Last evaluated: 2026-01-14. Review status: criteria provided, single submitter. Criteria: Invitae Variant Classification Sherloc (09022015). Collection method: clinical testing. Allele origin: germline.

GeneDx
Classification: Uncertain significance. Last evaluated: 2025-01-22. Review status: criteria provided, single submitter. Criteria: GeneDx Variant Classification Process June 2021. Collection method: clinical testing. Allele origin: germline. Affected: yes.
Comment: In silico analysis supports that this missense variant has a deleterious effect on protein structure/function; Has not been previously published as pathogenic or benign to our knowledge

NM_025243.4(SLC19A3):c.941T>C (p.Ile314Thr)

Gene: SLC19A3 (solute carrier family 19 member 3; minus strand). Cytogenetic location: 2q36.3.
Variant type: single nucleotide variant.
Coding change: c.941T>C on transcript NM_025243.4 (MANE Select); coding-DNA position 941, T replaced by C.
Protein change: p.Ile314Thr; replaces isoleucine 314 with threonine.
Molecular consequence: missense variant.
Genome position (GRCh38, 1-based): chr2:227,698,774, A>G on the plus strand (T>C on the coding strand, the complement: SLC19A3 is on the minus strand). VCF-style: chr2-227698774-A-G. GRCh37 (hg19) VCF-style: chr2-228563490-A-G.
Other names: c.941T>C, p.Ile314Thr (NM_001371411.1, NM_001371412.1); c.929T>C, p.Ile310Thr (NM_001371413.1, NM_001371414.1); c.941T>C (NM_025243.3); short protein forms I310T, I314T.
Identifiers: ClinVar variation 1139674 (VCV001139674.10), dbSNP rs746794574, ClinGen allele CA2149210.